The following is an entry in ClinVar:

ClinVar aggregate classification (germline): Pathogenic (1 of 4 stars; one submission).

Conditions:
Hereditary nonpolyposis colorectal neoplasms. Identifiers: MedGen C0009405, MeSH D003123.

Submission:

Labcorp Genetics (formerly Invitae), Labcorp
Classification: Pathogenic for Hereditary nonpolyposis colorectal neoplasms. Last evaluated: 2022-10-31. Review status: criteria provided, single submitter. Criteria: Invitae Variant Classification Sherloc (09022015). Collection method: clinical testing. Allele origin: germline.
Comment: This variant is a gross deletion of the genomic region encompassing exon(s) 5-6 of the MSH6 gene. This variant would be expected to be in-frame, preserving the integrity of the reading frame. A similar copy number variant has been observed in individual(s) with endometrial cancer (PMID: 16885385, 22306203). This variant disrupts the ATP-binding domain of the MSH6 protein. ATP hydrolysis is important for MSH6-mediated mismatch repair (PMID: 9428522, 9564049, 12019211). While functional studies have not been performed to directly test the effect of this variant on MSH6 protein function, this suggests that disruption of this region of the protein is causative of disease. This variant disrupts the p.Arg1076 amino acid residue in MSH6. Other variant(s) that disrupt this residue have been determined to be pathogenic (PMID: 15483016, 16418736, 16525781, 18409202, 21039432). This suggests that this residue is clinically significant, and that variants that disrupt this residue are likely to be disease-causing. For these reasons, this variant has been classified as Pathogenic.

Literature cited by the submitters: PubMed 16885385; PubMed 22306203; PubMed 9428522; PubMed 9564049; PubMed 12019211; PubMed 15483016; PubMed 16418736; PubMed 16525781; PubMed 18409202; PubMed 21039432.

NC_000002.11:g.(?_48030537)_(48032176_?)del

Gene: MSH6 (mutS homolog 6; plus strand). Cytogenetic location: 2p16.3.
Variant type: Deletion.
Identifiers: ClinVar variation 1074553 (VCV001074553.2).